The following is an entry in ClinVar:

ClinVar aggregate classification (germline): Uncertain significance. Review status: criteria provided, multiple submitters, no conflicts (2 of 4 stars). 3 submissions from 3 submitters: Uncertain significance (3). Last evaluated 2025-07-22.

Conditions:
DICER1-related tumor predisposition. Also called: DICER1 syndrome; DICER1-related pleuropulmonary blastoma cancer predisposition syndrome. Identifiers: Orphanet 284343, MedGen C3839822, MONDO:0100216.
Hereditary cancer-predisposing syndrome. Also called: Hereditary neoplastic syndrome; Tumor predisposition; Neoplastic Syndromes, Hereditary; Hereditary Cancer Syndrome. Identifiers: Orphanet 140162, MedGen C0027672, MeSH D009386, MONDO:0015356.
Global developmental delay - lung cysts - overgrowth - Wilms tumor syndrome. Also called: GLOW Syndrome; GLOBAL DEVELOPMENTAL DELAY, LUNG CYSTS, OVERGROWTH, AND WILMS TUMOR. Identifiers: Orphanet 404476, MedGen C4748924, MONDO:0018445, OMIM 618272.

Submissions (3):

Ambry Genetics
Classification: Uncertain significance for Hereditary cancer-predisposing syndrome. Last evaluated: 2025-07-22. Review status: criteria provided, single submitter. Criteria: Ambry Variant Classification Scheme 2023. Collection method: clinical testing. Allele origin: germline.
Comment: The p.K791E variant (also known as c.2371A>G), located in coding exon 14 of the DICER1 gene, results from an A to G substitution at nucleotide position 2371. The lysine at codon 791 is replaced by glutamic acid, an amino acid with similar properties. This amino acid position is highly conserved in available vertebrate species. In addition, this alteration is predicted to be deleterious by in silico analysis. Based on the available evidence, the clinical significance of this variant remains unclear.

Labcorp Genetics (formerly Invitae), Labcorp
Classification: Uncertain significance for DICER1-related tumor predisposition. Last evaluated: 2024-05-09. Review status: criteria provided, single submitter. Criteria: Invitae Variant Classification Sherloc (09022015). Collection method: clinical testing. Allele origin: germline.
Comment: This sequence change replaces lysine, which is basic and polar, with glutamic acid, which is acidic and polar, at codon 791 of the DICER1 protein (p.Lys791Glu). This variant is not present in population databases (gnomAD no frequency). This variant has not been reported in the literature in individuals affected with DICER1-related conditions. ClinVar contains an entry for this variant (Variation ID: 859999). Advanced modeling of protein sequence and biophysical properties (such as structural, functional, and spatial information, amino acid conservation, physicochemical variation, residue mobility, and thermodynamic stability) performed at Invitae indicates that this missense variant is not expected to disrupt DICER1 protein function with a negative predictive value of 80%. In summary, the available evidence is currently insufficient to determine the role of this variant in disease. Therefore, it has been classified as a Variant of Uncertain Significance.

Baylor Genetics
Classification: Uncertain significance for Global developmental delay - lung cysts - overgrowth - Wilms tumor syndrome. Last evaluated: 2023-12-19. Review status: criteria provided, single submitter. Criteria: ACMG Guidelines, 2015. Collection method: clinical testing. Allele origin: unknown.

NM_177438.3(DICER1):c.2371A>G (p.Lys791Glu)

Gene: DICER1 (dicer 1, ribonuclease III; minus strand). Cytogenetic location: 14q32.13.
Variant type: single nucleotide variant.
Coding change: c.2371A>G on transcript NM_177438.3 (MANE Select); coding-DNA position 2371, A replaced by G.
Protein change: p.Lys791Glu; replaces lysine 791 with glutamic acid.
Molecular consequence: missense variant.
Genome position (GRCh38, 1-based): chr14:95,108,389, T>C on the plus strand (A>G on the coding strand, the complement: DICER1 is on the minus strand). VCF-style: chr14-95108389-T-C. GRCh37 (hg19) VCF-style: chr14-95574726-T-C.
Other names: c.2371A>G, p.Lys791Glu (NM_001195573.1, NM_001271282.3, NM_001291628.2 and 1 more transcripts); short protein forms K791E.
Identifiers: ClinVar variation 859999 (VCV000859999.15), dbSNP rs1891651218, ClinGen allele CA390882187.